The following is an entry in ClinVar:

ClinVar aggregate classification (germline): Pathogenic (0 of 4 stars; one submission).

Conditions:
Alkaptonuria (AKU). Also called: Alkaptonuric ochronosis; Homogentisic acidura; Alcaptonuria; HOMOGENTISIC ACID OXIDASE DEFICIENCY. Identifiers: Orphanet 56, MedGen C0002066, MONDO:0008753, OMIM 203500.

Submission:

Department Of Human Genetics, Institute Of Clinical And Translational Research, Biomedical Research Center, Slovak Academy Of Sciences
Classification: Pathogenic for Alkaptonuria. Review status: no assertion criteria provided. Collection method: research. Allele origin: germline. Inheritance: Autosomal recessive inheritance. Affected: yes. Observed: 2 variant alleles.
Comment: The variant was originally described in AKU patient in PMID:19862842. It has been submitted to the HGD gene mutation database (DB-ID: AKU_00020).

Literature cited by the submitters: PubMed 19862842.

NM_000187.4(HGD):c.217T>C (p.Phe73Leu)

Gene: HGD (homogentisate 1,2-dioxygenase; minus strand). Cytogenetic location: 3q13.33.
Variant type: single nucleotide variant.
Coding change: c.217T>C on transcript NM_000187.4 (MANE Select); coding-DNA position 217, T replaced by C.
Protein change: p.Phe73Leu; replaces phenylalanine 73 with leucine.
Molecular consequence: missense variant.
Genome position (GRCh38, 1-based): chr3:120,670,492, A>G on the plus strand (T>C on the coding strand, the complement: HGD is on the minus strand). VCF-style: chr3-120670492-A-G. GRCh37 (hg19) VCF-style: chr3-120389339-A-G.
Other names: short protein forms F73L.
Identifiers: ClinVar variation 2626825 (VCV002626825.1), dbSNP rs2472786163, ClinGen allele CA354081423.